The following is an entry in ClinVar:

NM_000091.5(COL4A3):c.1459G>C (p.Gly487Arg)

Genes: COL4A3 (collagen type IV alpha 3 chain; plus strand), MFF-DT (MFF divergent transcript; minus strand). Cytogenetic location: 2q36.3.
Variant type: single nucleotide variant.
Coding change: c.1459G>C on transcript NM_000091.5 (MANE Select); coding-DNA position 1459, G replaced by C.
Protein change: p.Gly487Arg; replaces glycine 487 with arginine.
Molecular consequence: missense variant.
Genome position (GRCh38, 1-based): chr2:227,267,043, G>C. VCF-style: chr2-227267043-G-C. GRCh37 (hg19) VCF-style: chr2-228131759-G-C.
Other names: p.(Gly487Arg); short protein forms G487R.
Identifiers: ClinVar variation 4072211 (VCV004072211.2).

ClinVar aggregate classification (germline): Likely pathogenic. Review status: criteria provided, multiple submitters, no conflicts (2 of 4 stars). 2 submissions from 2 submitters: Likely pathogenic (2). Last evaluated 2026-02-20.

Conditions:
Autosomal dominant Alport syndrome (ATS3A). Also called: Alport syndrome dominant type; Renal failure and sensorineural hearing loss; ALPORT SYNDROME 3A, AUTOSOMAL DOMINANT. Identifiers: Orphanet 63, Orphanet 88918, MedGen C5882663, MONDO:0007086, OMIM 104200.
Hematuria, benign familial, 2 (BFH2). Identifiers: MedGen C5830421, MONDO:0958186, OMIM 620320.

gnomAD v4.1: 1 of 1,613,926 alleles (0.000062%); highest among the groups gnomAD compares: Non-Finnish European, 0.000085%; no homozygotes.

Submissions (2):

Centre de Génétique Humaine, Institut de Pathologie Et de Génétique
Classification: Likely pathogenic for Hematuria, benign familial, 2. Last evaluated: 2026-02-20. Review status: criteria provided, single submitter. Criteria: ACMG Guidelines, 2015. Collection method: clinical testing. Allele origin: germline. Inheritance: Autosomal dominant inheritance. Affected: yes. Observed: 1 variant allele, 1 heterozygote. Segregation with disease not observed.
Comment: This missense variant involves a highly conserved glycine located in a ‘Gly-X-Y’ motif in collagenous region, which is characteristic of the pathogenic variants identified in the COL4A3 gene (PM1,PP2). This variant is rare: allelic frequency of 0.000062% in gnomAD v4.1.0 database (PM2); In silico analysis supports that this missense variant has a deleterious effect (PP3). Another missense variant affecting the same residue described as LP: c.1459G>T, p.Gly487Cys, PMID: 17396119 (PM5); described as LP n ClinVar

MVZ Medizinische Genetik Mainz
Classification: Likely pathogenic for Autosomal dominant Alport syndrome. Last evaluated: 2025-07-04. Review status: criteria provided, single submitter. Criteria: UK Practice Guidelines For Variant Classification V4 01 2020. Collection method: clinical testing. Allele origin: germline. Inheritance: Autosomal dominant inheritance. Affected: yes. Observed: 1 variant allele.
Comment: ACMG Criteria: PM1_STR,PM2_SUP,PM5_SUP,PP3,PP4